The following is an entry in ClinVar:

NM_000540.3(RYR1):c.10019-269T>G

Gene: RYR1 (ryanodine receptor 1; plus strand). Cytogenetic location: 19q13.2.
Variant type: single nucleotide variant.
Coding change: c.10019-269T>G on transcript NM_000540.3 (MANE Select); 269 bases into the intron before coding-DNA position 10019, T replaced by G.
Molecular consequence: intron variant.
Genome position (GRCh38, 1-based): chr19:38,518,945, T>G. VCF-style: chr19-38518945-T-G. GRCh37 (hg19) VCF-style: chr19-39009585-T-G.
Other names: c.10019-269T>G (NM_001042723.2).
Identifiers: ClinVar variation 680762 (VCV000680762.1), dbSNP rs73032604, ClinGen allele CA14688987.

ClinVar aggregate classification (germline): Benign (1 of 4 stars; one submission).

Allele frequency attached by ClinVar (database versions not stated): gnomAD 0.09431 and 0.09926; TOPMed 0.09853; 1000 Genomes Project 0.14217.
gnomAD v4.1: 14,954 of 149,160 alleles (10%); highest among the groups gnomAD compares: South Asian, 24%; 853 homozygotes.

Submission:

GeneDx
Classification: Benign. Last evaluated: 2018-06-19. Review status: criteria provided, single submitter. Criteria: GeneDx Variant Classification (06012015). Collection method: clinical testing. Allele origin: germline. Affected: yes.
Comment: This variant is considered likely benign or benign based on one or more of the following criteria: it is a conservative change, it occurs at a poorly conserved position in the protein, it is predicted to be benign by multiple in silico algorithms, and/or has population frequency not consistent with disease.